The following is an entry in ClinVar:

ClinVar aggregate classification (germline): Uncertain significance (1 of 4 stars; one submission).

Conditions:
Familial cold autoinflammatory syndrome 2 (FCAS2). Identifiers: Orphanet 247868, MedGen C2673198, MONDO:0012724, OMIM 611762.

Submission:

Labcorp Genetics (formerly Invitae), Labcorp
Classification: Uncertain significance for Familial cold autoinflammatory syndrome 2. Last evaluated: 2020-08-22. Review status: criteria provided, single submitter. Criteria: Invitae Variant Classification Sherloc (09022015). Collection method: clinical testing. Allele origin: germline.
Comment: This sequence change affects the initiator methionine of the NLRP12 mRNA. The next in-frame methionine is located at codon 48. This variant is not present in population databases (ExAC no frequency). This variant has not been reported in the literature in individuals with NLRP12-related conditions. Experimental studies and prediction algorithms are not available or were not evaluated, and the functional significance of this variant is currently unknown. In summary, the available evidence is currently insufficient to determine the role of this variant in disease. Therefore, it has been classified as a Variant of Uncertain Significance.

NM_144687.4(NLRP12):c.2T>C (p.Met1Thr)

Gene: NLRP12 (NLR family pyrin domain containing 12; minus strand). Cytogenetic location: 19q13.42.
Variant type: single nucleotide variant.
Coding change: c.2T>C on transcript NM_144687.4 (MANE Select); coding-DNA position 2, T replaced by C.
Protein change: p.Met1Thr; changes the start codon (methionine 1).
Molecular consequence: missense variant, initiator codon variant.
Genome position (GRCh38, 1-based): chr19:53,824,173, A>G on the plus strand (T>C on the coding strand, the complement: NLRP12 is on the minus strand). VCF-style: chr19-53824173-A-G. GRCh37 (hg19) VCF-style: chr19-54327427-A-G.
Other names: c.2T>C, p.Met1Thr (NM_001277126.2, NM_001277129.1); short protein forms M1T.
Identifiers: ClinVar variation 1025407 (VCV001025407.9), dbSNP rs2092309461, ClinGen allele CA407419531.
Genomic context (GRCh38, chr19:53,824,173, plus strand): 5'-TCGAGTTCTTCCAAGTAGGTGGACAGGCGACAGAGGCCGTCCCTGCCTGCGGTTCGTAGC[A>G]TGGGGGTGCCGTGAGCCCCAAAGGAGAGGACCTGGAGGCTGAGATGCTCCTATGCACGGG-3'
Protein context (NP_653288.1, residues 1-11): [Met1Thr]LRTAGRDGLC